The following is an entry in ClinVar:

NM_001267550.2(TTN):c.3419A>T (p.Lys1140Met)

Gene: TTN (titin; minus strand). Cytogenetic location: 2q31.2.
Variant type: single nucleotide variant.
Coding change: c.3419A>T on transcript NM_001267550.2 (MANE Select); coding-DNA position 3419, A replaced by T.
Protein change: p.Lys1140Met; replaces lysine 1140 with methionine.
Molecular consequence: missense variant.
Genome position (GRCh38, 1-based): chr2:178,781,225, T>A on the plus strand (A>T on the coding strand, the complement: TTN is on the minus strand). VCF-style: chr2-178781225-T-A. GRCh37 (hg19) VCF-style: chr2-179645952-T-A.
Other names: c.3419A>T, p.Lys1140Met (NM_001256850.1, NM_133378.4, NM_133379.5); c.3281A>T, p.Lys1094Met (NM_003319.4, NM_133432.3, NM_133437.4); short protein forms K1094M, K1140M.
Identifiers: ClinVar variation 5038681 (VCV005038681.1).
Genomic context (GRCh38, chr2:178,781,225, plus strand): 5'-TTGCGAACAACAATAGTGTATTCTCCAGCATCATCAGCAAAAGTCATAGAAATCACCAGC[T>A]TGCATTCACCGGTTTGTTTGTTGTAACTCACTTTGTATCTTTATGTAAATGTACAAAATT-3'
Protein context (NP_001254479.2, residues 1130-1150): VSYNKQTGEC[Lys1140Met]LVISMTFADD

ClinVar aggregate classification (germline): Likely benign (1 of 4 stars; one submission).

gnomAD v4.1: 16 of 1,613,962 alleles (0.00099%); highest among the groups gnomAD compares: Non-Finnish European, 0.0013%; no homozygotes.

Submission:

CeGaT Center for Human Genetics Tuebingen
Classification: Likely benign. Last evaluated: 2026-07-01. Review status: criteria provided, single submitter. Criteria: CeGaT Center For Human Genetics Tuebingen Variant Classification Criteria Version 2. Collection method: clinical testing. Allele origin: germline. Affected: yes. Observed: 1 variant allele.
Comment: TTN: BP1, BP4